The following is an entry in ClinVar:

ClinVar aggregate classification (germline): Uncertain significance (1 of 4 stars; one submission).

Submission:

Labcorp Genetics (formerly Invitae), Labcorp
Classification: Uncertain significance. Last evaluated: 2023-06-19. Review status: criteria provided, single submitter. Criteria: Invitae Variant Classification Sherloc (09022015). Collection method: clinical testing. Allele origin: unknown.
Comment: This variant has not been reported in the literature in individuals affected with POLE-related conditions. In summary, the available evidence is currently insufficient to determine the role of this variant in disease. Therefore, it has been classified as a Variant of Uncertain Significance. Experimental studies and prediction algorithms are not available or were not evaluated, and the functional significance of this variant is currently unknown. This variant is a gross deletion of the genomic region encompassing exon(s) 21-29 of the POLE gene. This variant would be expected to be in-frame, preserving the integrity of the reading frame.

NC_000012.11:g.(?_133233712)_(133242046_?)del

Gene: POLE (DNA polymerase epsilon, catalytic subunit; minus strand). Cytogenetic location: 12q24.33.
Variant type: Deletion.
Identifiers: ClinVar variation 3244404 (VCV003244404.1).